The following is an entry in ClinVar:

NM_005263.5(GFI1):c.925-40CT[16]

Gene: GFI1 (growth factor independent 1 transcriptional repressor; minus strand). Cytogenetic location: 1p22.1.
Variant type: Microsatellite.
Coding change: c.925-40CT[16] on transcript NM_005263.5 (MANE Select); 16 copies in a row of the 2-base unit CT starting at c.925-40; the reference has 18 copies in a row; two copies, 4 bases deleted.
Molecular consequence: intron variant.
Genome position (GRCh38, 1-based): chr1:92,478,758-92,478,761, AGAG deleted on the plus strand (CTCT on the coding strand, the reverse complement: GFI1 is on the minus strand); deleting any 4 consecutive bases within chr1:92,478,758-92,478,794 gives the same sequence; the position shown is the placement nearest the transcript's 3' end. VCF-style (leftmost placement, unchanged base first): chr1-92478757-CAGAG-C. GRCh37 (hg19) VCF-style: chr1-92944314-CAGAG-C.
Other names: p.?; c.925-8_925-5delCTCT (NM_005263.3, NM_005263.5); c.925-8_925-5del (NM_005263.5); c.925-40CT[16] (NM_001127216.3, NM_001127215.3).
Identifiers: ClinVar variation 298184 (VCV000298184.20), dbSNP rs35896485, ClinGen allele CA10610816.

ClinVar aggregate classification (germline): Benign/Likely benign. Review status: criteria provided, multiple submitters, no conflicts (2 of 4 stars). 6 submissions from 6 submitters: Benign (1); Likely benign (5). Last evaluated 2026-01-28.

Conditions:
Neutropenia, severe congenital, 2, autosomal dominant. Identifiers: Orphanet 486, MedGen C2751288, MONDO:0013139, OMIM 613107.
Nonimmune chronic idiopathic neutropenia of adults. Identifiers: Orphanet 2688, MedGen C1842930, MONDO:0011922, OMIM 607847.

Submissions (6):

Women's Health and Genetics/Laboratory Corporation of America, LabCorp
Classification: Likely benign. Last evaluated: 2026-01-28. Review status: criteria provided, single submitter. Criteria: LabCorp Variant Classification Summary - May 2015. Collection method: clinical testing. Allele origin: germline.
Comment: Variant summary: GFI1 c.925-8_925-5delCTCT alters a nucleotide located at a position not widely known to affect splicing. Consensus agreement among computation tools predict no significant impact on normal splicing. However, these predictions have yet to be confirmed by functional studies. The variant was absent in 129388 control chromosomes. The available data on variant occurrences in the general population are insufficient to allow any conclusion about variant significance. To our knowledge, no occurrence of c.925-8_925-5delCTCT in individuals affected with GFI1-related conditions and no experimental evidence demonstrating its impact on protein function have been reported. ClinVar contains an entry for this variant (Variation ID: 298184). Based on the evidence outlined above, the variant was classified as likely benign.

Labcorp Genetics (formerly Invitae), Labcorp
Classification: Benign for Neutropenia, severe congenital, 2, autosomal dominant. Last evaluated: 2026-01-05. Review status: criteria provided, single submitter. Criteria: Invitae Variant Classification Sherloc (09022015). Collection method: clinical testing. Allele origin: germline.

Mayo Clinic Laboratories, Mayo Clinic
Classification: Likely benign. Last evaluated: 2025-08-28. Review status: criteria provided, single submitter. Criteria: ACMG Guidelines, 2015. Collection method: clinical testing. Allele origin: germline. Observed: 22 variant alleles.
Comment: BP4, BP7

Laboratory of Genetics, Children's Clinical University Hospital Latvia
Classification: Likely benign. Last evaluated: 2025-02-16. Review status: criteria provided, single submitter. Criteria: ACMG Guidelines, 2015. Collection method: clinical testing. Allele origin: germline. Affected: yes.

Blueprint Genetics
Classification: Likely benign. Last evaluated: 2024-11-25. Review status: criteria provided, single submitter. Criteria: ACMG Guidelines, 2015. Collection method: clinical testing. Allele origin: germline.

Center for Genomics, Ann and Robert H. Lurie Children's Hospital of Chicago
Classification: Likely benign for Nonimmune chronic idiopathic neutropenia of adults; Neutropenia, severe congenital, 2, autosomal dominant. Review status: criteria provided, single submitter. Criteria: ACMG Guidelines, 2015. Collection method: clinical testing. Allele origin: germline.
Comment: This variant has not been reported in the literature and is not present in large control databases. This variant is present in ClinVar (Variation ID: 298184). Evolutionary conservation and computational prediction tools for this variant are limited or unavailable. This variant is a deletion of 4 nucleotides in a repetitive region within the intron. Splice prediction tools do not suggest that this variant may affect splicing. However, further studies are needed to understand its impact. In summary, data on this variant is insufficient for disease classification. Therefore, the clinical significance of this variant is uncertain.